The following is an entry in ClinVar:

ClinVar aggregate classification (germline): Uncertain significance (1 of 4 stars; one submission).

gnomAD v4.1: 1 of 1,611,586 alleles (0.000062%); highest among the groups gnomAD compares: Non-Finnish European, 0.000085%; no homozygotes.

Submission:

Labcorp Genetics (formerly Invitae), Labcorp
Classification: Uncertain significance. Last evaluated: 2024-02-19. Review status: criteria provided, single submitter. Criteria: Invitae Variant Classification Sherloc (09022015). Collection method: clinical testing. Allele origin: germline.
Comment: This sequence change replaces threonine, which is neutral and polar, with serine, which is neutral and polar, at codon 183 of the IL6ST protein (p.Thr183Ser). This variant is not present in population databases (gnomAD no frequency). This variant has not been reported in the literature in individuals affected with IL6ST-related conditions. An algorithm developed to predict the effect of missense changes on protein structure and function (PolyPhen-2) suggests that this variant is likely to be tolerated. In summary, the available evidence is currently insufficient to determine the role of this variant in disease. Therefore, it has been classified as a Variant of Uncertain Significance.

NM_002184.4(IL6ST):c.548C>G (p.Thr183Ser)

Gene: IL6ST (interleukin 6 cytokine family signal transducer; minus strand). Cytogenetic location: 5q11.2.
Variant type: single nucleotide variant.
Coding change: c.548C>G on transcript NM_002184.4 (MANE Select); coding-DNA position 548, C replaced by G.
Protein change: p.Thr183Ser; replaces threonine 183 with serine.
Molecular consequence: missense variant. On other transcripts: 5 prime UTR variant (3), non-coding transcript variant (2).
Genome position (GRCh38, 1-based): chr5:55,964,256, G>C on the plus strand (C>G on the coding strand, the complement: IL6ST is on the minus strand). VCF-style: chr5-55964256-G-C. GRCh37 (hg19) VCF-style: chr5-55260084-G-C.
Other names: c.548C>G, p.Thr183Ser (NM_001190981.2, NM_001364275.2, NM_175767.3); c.338C>G, p.Thr113Ser (NM_001364276.2); c.-366C>G (NM_001364277.2, NM_001364279.2); c.-356C>G (NM_001364278.2); short protein forms T183S, T113S.
Identifiers: ClinVar variation 3007306 (VCV003007306.3), dbSNP rs1284408646, ClinGen allele CA359767234.